The following is an entry in ClinVar:

ClinVar aggregate classification (germline): Uncertain significance (1 of 4 stars; one submission).

Conditions:
VPS13B-related disorder. Also called: VPS13B-related condition.

Allele frequency attached by ClinVar (database versions not stated): gnomAD exomes below 0.00001.
gnomAD v4.1: 2 of 1,613,570 alleles (0.00012%); highest among the groups gnomAD compares: Non-Finnish European, 0.00017%; no homozygotes.

Submission:

PreventionGenetics, part of Exact Sciences
Classification: Uncertain significance for VPS13B-related condition. Last evaluated: 2026-09-01. Review status: criteria provided, single submitter. Criteria: ACMG Guidelines, 2015. Collection method: clinical testing. Allele origin: germline.
Comment: The VPS13B c.3124A>G variant is predicted to result in the amino acid substitution p.Ile1042Val. To our knowledge, this variant has not been reported in the literature or in a large population database (gnomAD), indicating this variant is rare. At this time, the clinical significance of this variant is uncertain due to the absence of conclusive functional and genetic evidence.

NM_152564.5(VPS13B):c.3124A>G (p.Ile1042Val)

Gene: VPS13B (vacuolar protein sorting 13 homolog B; plus strand). Cytogenetic location: 8q22.2.
Variant type: single nucleotide variant.
Coding change: c.3124A>G on transcript NM_152564.5 (MANE Select); coding-DNA position 3124, A replaced by G.
Protein change: p.Ile1042Val; replaces isoleucine 1042 with valine.
Molecular consequence: missense variant.
Genome position (GRCh38, 1-based): chr8:99,431,578, A>G. VCF-style: chr8-99431578-A-G. GRCh37 (hg19) VCF-style: chr8-100443806-A-G.
Other names: c.3124A>G, p.Ile1042Val (NM_017890.5); short protein forms I1042V.
Identifiers: ClinVar variation 2637201 (VCV002637201.2), dbSNP rs2490099251, ClinGen allele CA371868078.